The following is an entry in ClinVar:

NC_000014.8:g.(?_68260305)_(68260976_?)del

Gene: ZFYVE26 (zinc finger FYVE-type containing 26; minus strand). Cytogenetic location: 14q24.1.
Variant type: Deletion.
Identifiers: ClinVar variation 3243952 (VCV003243952.1).

ClinVar aggregate classification (germline): Pathogenic (1 of 4 stars; one submission).

Conditions:
Spastic paraplegia. Identifiers: MedGen C0037772, HP:0001258.

Submission:

Labcorp Genetics (formerly Invitae), Labcorp
Classification: Pathogenic for Spastic paraplegia. Last evaluated: 2023-05-07. Review status: criteria provided, single submitter. Criteria: Invitae Variant Classification Sherloc (09022015). Collection method: clinical testing. Allele origin: unknown.
Comment: This variant has not been reported in the literature in individuals affected with ZFYVE26-related conditions. For these reasons, this variant has been classified as Pathogenic. This variant is a gross deletion of the genomic region encompassing exon(s) 13-14 of the ZFYVE26 gene. This deletion is out-of-frame, and is expected to create a premature termination codon and result in an absent or disrupted protein product. Loss-of-function variants in ZFYVE26 are known to be pathogenic (PMID: 18394578, 19805727).

Literature cited by the submitters: PubMed 18394578; PubMed 19805727.